The following is an entry in ClinVar:

ClinVar aggregate classification (germline): Uncertain significance (1 of 4 stars; one submission).

Submission:

GeneDx
Classification: Uncertain significance. Last evaluated: 2019-09-12. Review status: criteria provided, single submitter. Criteria: GeneDx Variant Classification Process June 2021. Collection method: clinical testing. Allele origin: germline. Affected: yes.
Comment: Not observed in large population cohorts (Lek et al., 2016); In silico analysis, which includes protein predictors and evolutionary conservation, supports that this variant does not alter protein structure/function; Has not been previously published as pathogenic or benign to our knowledge

NM_001170629.2(CHD8):c.799C>T (p.Pro267Ser)

Gene: CHD8 (chromodomain helicase DNA binding protein 8; minus strand). Cytogenetic location: 14q11.2.
Variant type: single nucleotide variant.
Coding change: c.799C>T on transcript NM_001170629.2 (MANE Select); coding-DNA position 799, C replaced by T.
Protein change: p.Pro267Ser; replaces proline 267 with serine.
Molecular consequence: missense variant. On other transcripts: intron variant (1).
Genome position (GRCh38, 1-based): chr14:21,430,845, G>A on the plus strand (C>T on the coding strand, the complement: CHD8 is on the minus strand). VCF-style: chr14-21430845-G-A. GRCh37 (hg19) VCF-style: chr14-21899004-G-A.
Other names: c.6+966C>T (NM_020920.4); short protein forms P267S.
Identifiers: ClinVar variation 1312266 (VCV001312266.2), dbSNP rs2139539035, ClinGen allele CA388886181.